The following is an entry in ClinVar:

ClinVar aggregate classification (germline): Pathogenic (1 of 4 stars; one submission).

Conditions:
Fabry disease. Also called: ALPHA-GALACTOSIDASE A DEFICIENCY; ANDERSON-FABRY DISEASE; CERAMIDE TRIHEXOSIDASE DEFICIENCY; GLA DEFICIENCY; HEREDITARY DYSTOPIC LIPIDOSIS; Angiokeratoma corporis diffusum. Identifiers: Orphanet 324, MedGen C0002986, MONDO:0010526, OMIM 301500, HP:0001071. Disease mechanism: Fabry disease is due to inactivating mutations in the X-linked GLA gene resulting in deficiency of the enzyme Alpha Galactosidase-A., loss of function.

Submission:

Genomenon, Inc
Classification: Pathogenic for Fabry disease. Last evaluated: 2026-09-08. Review status: criteria provided, single submitter. Criteria: Genomenon Sequence Variant Interpretation Standards - Updated. Collection method: curation. Allele origin: germline. Affected: yes.
Comment: GLA p.Ser235Phe (c.704C>T) is a missense variant that changes the amino acid at codon 235 from Serine to Phenylalanine. This variant has been observed in at least one proband with clinical features consistent with Fabry disease (PMID:20962444). At least one functional study has demonstrated a substantial alteration in protein function relative to the wild-type (PMID:18205205;27657681). This variant is located in a mutational hotspot and/or important functional domain. It is absent or not present at a significant frequency in gnomAD. In silico models predict that this variant is possibly or probably damaging. In conclusion, we classify GLA p.Ser235Phe (c.704C>T) as a pathogenic variant.

Literature cited by the submitters: PubMed 20962444; PubMed 18205205; PubMed 27657681.

NM_000169.3(GLA):c.704C>T (p.Ser235Phe)

Genes: GLA (galactosidase alpha; minus strand), RPL36A-HNRNPH2 (RPL36A-HNRNPH2 readthrough; plus strand). Cytogenetic location: Xq22.1.
Variant type: single nucleotide variant.
Coding change: c.704C>T on transcript NM_000169.3 (MANE Select); coding-DNA position 704, C replaced by T.
Protein change: p.Ser235Phe; replaces serine 235 with phenylalanine.
Molecular consequence: missense variant. On other transcripts: non-coding transcript variant (3), intron variant (2).
Genome position (GRCh38, 1-based): chrX:101,398,882, G>A on the plus strand (C>T on the coding strand, the complement: GLA is on the minus strand). VCF-style: chrX-101398882-G-A. GRCh37 (hg19) VCF-style: chrX-100653870-G-A.
Other names: c.827C>T, p.Ser276Phe (NM_001406747.1); c.704C>T, p.Ser235Phe (NM_001406748.1); c.300+3425G>A (NM_001199973.2); c.177+7060G>A (NM_001199974.2); short protein forms S235F, S276F.
Identifiers: ClinVar variation 4087473 (VCV004087473.2).